The following is an entry in ClinVar:

NM_032578.4(MYPN):c.2350C>A (p.Pro784Thr)

Gene: MYPN (myopalladin; plus strand). Cytogenetic location: 10q21.3.
Variant type: single nucleotide variant.
Coding change: c.2350C>A on transcript NM_032578.4 (MANE Select); coding-DNA position 2350, C replaced by A.
Protein change: p.Pro784Thr; replaces proline 784 with threonine.
Molecular consequence: missense variant. On other transcripts: non-coding transcript variant (2).
Genome position (GRCh38, 1-based): chr10:68,174,442, C>A. VCF-style: chr10-68174442-C-A. GRCh37 (hg19) VCF-style: chr10-69934199-C-A.
Other names: c.2350C>A, p.Pro784Thr (NM_001256267.2); c.1468C>A, p.Pro490Thr (NM_001256268.2); short protein forms P784T, P490T.
Identifiers: ClinVar variation 3877256 (VCV003877256.1).

ClinVar aggregate classification (germline): Uncertain significance (1 of 4 stars; one submission).

Conditions:
Cardiovascular phenotype. Identifiers: MedGen CN230736.

Submission:

Ambry Genetics
Classification: Uncertain significance for Cardiovascular phenotype. Last evaluated: 2025-01-16. Review status: criteria provided, single submitter. Criteria: Ambry Variant Classification Scheme 2023. Collection method: clinical testing. Allele origin: germline.
Comment: The p.P784T variant (also known as c.2350C>A), located in coding exon 10 of the MYPN gene, results from a C to A substitution at nucleotide position 2350. The proline at codon 784 is replaced by threonine, an amino acid with highly similar properties. This amino acid position is conserved. In addition, this alteration is predicted to be tolerated by in silico analysis. Based on the available evidence, the clinical significance of this variant remains unclear.